The following is an entry in ClinVar:

ClinVar aggregate classification (germline): Uncertain significance (1 of 4 stars; one submission).

Conditions:
Cardiovascular phenotype. Identifiers: MedGen CN230736.

Allele frequency attached by ClinVar (database versions not stated): gnomAD exomes 0.00001.
gnomAD v4.1: 9 of 1,590,122 alleles (0.00057%); highest among the groups gnomAD compares: African/African-American, 0.0013%; no homozygotes.

Submission:

Ambry Genetics
Classification: Uncertain significance for Cardiovascular phenotype. Last evaluated: 2023-02-12. Review status: criteria provided, single submitter. Criteria: Ambry Variant Classification Scheme 2023. Collection method: clinical testing. Allele origin: germline.
Comment: The p.H481R variant (also known as c.1442A>G), located in coding exon 4 of the KCND3 gene, results from an A to G substitution at nucleotide position 1442. The histidine at codon 481 is replaced by arginine, an amino acid with highly similar properties. This amino acid position is conserved. In addition, the in silico prediction for this alteration is inconclusive. Since supporting evidence is limited at this time, the clinical significance of this alteration remains unclear.

NM_001378969.1(KCND3):c.1442A>G (p.His481Arg)

Gene: KCND3 (potassium voltage-gated channel subfamily D member 3; minus strand). Cytogenetic location: 1p13.2.
Variant type: single nucleotide variant.
Coding change: c.1442A>G on transcript NM_001378969.1 (MANE Select); coding-DNA position 1442, A replaced by G.
Protein change: p.His481Arg; replaces histidine 481 with arginine.
Molecular consequence: missense variant.
Genome position (GRCh38, 1-based): chr1:111,780,244, T>C on the plus strand (A>G on the coding strand, the complement: KCND3 is on the minus strand). VCF-style: chr1-111780244-T-C. GRCh37 (hg19) VCF-style: chr1-112322866-T-C.
Other names: c.1442A>G, p.His481Arg (NM_004980.5, NM_172198.3, NM_001378970.1); short protein forms H481R.
Identifiers: ClinVar variation 2447858 (VCV002447858.2), dbSNP rs1366838063, ClinGen allele CA341658576.